The following is an entry in ClinVar:

NM_017668.3(NDE1):c.263A>T (p.Glu88Val)

Gene: NDE1 (nudE neurodevelopment protein 1; plus strand). Cytogenetic location: 16p13.11.
Variant type: single nucleotide variant.
Coding change: c.263A>T on transcript NM_017668.3 (MANE Select); coding-DNA position 263, A replaced by T.
Protein change: p.Glu88Val; replaces glutamic acid 88 with valine.
Molecular consequence: missense variant.
Genome position (GRCh38, 1-based): chr16:15,677,826, A>T. VCF-style: chr16-15677826-A-T. GRCh37 (hg19) VCF-style: chr16-15771683-A-T.
Other names: c.263A>T, p.Glu88Val (NM_001143979.2); short protein forms E88V.
Identifiers: ClinVar variation 3372355 (VCV003372355.1).

ClinVar aggregate classification (germline): Uncertain significance (1 of 4 stars; one submission).

Submission:

GeneDx
Classification: Uncertain significance. Last evaluated: 2024-04-11. Review status: criteria provided, single submitter. Criteria: GeneDx Variant Classification Process June 2021. Collection method: clinical testing. Allele origin: germline. Affected: yes.
Comment: Not observed at significant frequency in large population cohorts (gnomAD); In silico analysis supports that this missense variant has a deleterious effect on protein structure/function; Has not been previously published as pathogenic or benign to our knowledge